The following is an entry in ClinVar:

ClinVar aggregate classification (germline): Benign (1 of 4 stars; one submission).

Conditions:
Pseudohypoaldosteronism type 2D (PHA2D). Also called: FAMILIAL HYPERKALEMIC HYPERTENSION; PSEUDOHYPOALDOSTERONISM, TYPE IID, AUTOSOMAL DOMINANT OR RECESSIVE; Pseudohypoaldosteronism Type IID. Identifiers: Orphanet 300525, Orphanet 757, MedGen C3469605, MONDO:0013781, OMIM 614495.

Allele frequency attached by ClinVar (database versions not stated): gnomAD 0.00010 and 0.00011; TOPMed 0.00015; 1000 Genomes Project 30x 0.00031; 1000 Genomes Project 0.00040.

Submission:

Illumina Laboratory Services, Illumina
Classification: Benign for Pseudohypoaldosteronism type 2D. Last evaluated: 2018-01-13. Review status: criteria provided, single submitter. Criteria: ICSL Variant Classification Criteria 13 December 2019. Collection method: clinical testing. Allele origin: germline.
Comment: This variant was observed in the ICSL laboratory as part of a predisposition screen in an ostensibly healthy population. It had not been previously curated by ICSL or reported in the Human Gene Mutation Database (HGMD: prior to June 1st, 2018), and was therefore a candidate for classification through an automated scoring system. Utilizing variant allele frequency, disease prevalence and penetrance estimates, and inheritance mode, an automated score was calculated to assess if this variant is too frequent to cause the disease. Based on the score and internal cut-off values, a variant classified as benign is not then subjected to further curation. The score for this variant resulted in a classification of benign for this disease.

NM_017415.3(KLHL3):c.*2687C>T

Gene: KLHL3 (kelch like family member 3; minus strand). Cytogenetic location: 5q31.2.
Variant type: single nucleotide variant.
Coding change: c.*2687C>T on transcript NM_017415.3 (MANE Select); 2687 bases downstream of the stop codon, C replaced by T.
Molecular consequence: 3 prime UTR variant.
Genome position (GRCh38, 1-based): chr5:137,619,411, G>A on the plus strand (C>T on the coding strand, the complement: KLHL3 is on the minus strand). VCF-style: chr5-137619411-G-A. GRCh37 (hg19) VCF-style: chr5-136955100-G-A.
Other names: c.*2687C>T (NM_001257194.1, NM_001257195.2).
Identifiers: ClinVar variation 350946 (VCV000350946.6), dbSNP rs186283051, ClinGen allele CA10622673.